The following is an entry in ClinVar:

NM_018972.4(GDAP1):c.694+5G>A

Gene: GDAP1 (ganglioside induced differentiation associated protein 1; plus strand). Cytogenetic location: 8q21.11.
Variant type: single nucleotide variant.
Coding change: c.694+5G>A on transcript NM_018972.4 (MANE Select); 5 bases into the intron after coding-DNA position 694, G replaced by A.
Molecular consequence: intron variant.
Genome position (GRCh38, 1-based): chr8:74,363,058, G>A. VCF-style: chr8-74363058-G-A. GRCh37 (hg19) VCF-style: chr8-75275293-G-A.
Other names: c.694+5G>A (NM_001362931.2); c.520+5G>A (NM_001362930.2); c.367+5G>A (NM_001362929.2, NM_001362932.2); c.490+5G>A (NM_001040875.4).
Identifiers: ClinVar variation 241293 (VCV000241293.15), dbSNP rs752550394, ClinGen allele CA4785168.

ClinVar aggregate classification (germline): Uncertain significance. Review status: criteria provided, multiple submitters, no conflicts (2 of 4 stars). 4 submissions from 4 submitters: Uncertain significance (4). Last evaluated 2025-06-29.

Conditions:
Inborn genetic diseases. Identifiers: MedGen C0950123, MeSH D030342.
Charcot-Marie-Tooth disease type 4A. Also called: Charcot-Marie-Tooth disease, demyelinating, autosomal recessive, type 4a. Identifiers: Orphanet 99948, MedGen C1859198, MONDO:0008961, OMIM 214400.

Allele frequency attached by ClinVar (database versions not stated): ExAC 0.00003; gnomAD exomes 0.00003; gnomAD 0.00006; TOPMed 0.00009.
gnomAD v4.1: 71 of 1,257,868 alleles (0.0056%); highest among the groups gnomAD compares: Non-Finnish European, 0.008%; no homozygotes.

Submissions (4):

Labcorp Genetics (formerly Invitae), Labcorp
Classification: Uncertain significance for Charcot-Marie-Tooth disease type 4A. Last evaluated: 2025-06-29. Review status: criteria provided, single submitter. Criteria: Invitae Variant Classification Sherloc (09022015). Collection method: clinical testing. Allele origin: germline.
Comment: This sequence change falls in intron 5 of the GDAP1 gene. It does not directly change the encoded amino acid sequence of the GDAP1 protein. It affects a nucleotide within the consensus splice site. This variant is present in population databases (rs752550394, gnomAD 0.006%). This variant has been observed in individual(s) with Charcot-Marie-Tooth disease (PMID: 32376792). ClinVar contains an entry for this variant (Variation ID: 241293). Variants that disrupt the consensus splice site are a relatively common cause of aberrant splicing (PMID: 17576681, 9536098). Algorithms developed to predict the effect of sequence changes on RNA splicing suggest that this variant is not likely to affect RNA splicing. In summary, the available evidence is currently insufficient to determine the role of this variant in disease. Therefore, it has been classified as a Variant of Uncertain Significance.

GeneDx
Classification: Uncertain significance. Last evaluated: 2025-05-20. Review status: criteria provided, single submitter. Criteria: GeneDx Variant Classification Process June 2021. Collection method: clinical testing. Allele origin: germline. Affected: yes.
Comment: Reported previously in a patient with suspected Charcot-Marie-Tooth disease; however, no further clinical or segregation information was provided (PMID: 32376792); In silico analysis suggests that this variant does not alter splicing; This variant is associated with the following publications: (PMID: 32376792)

Ambry Genetics
Classification: Uncertain significance for Inborn genetic diseases. Last evaluated: 2021-04-14. Review status: criteria provided, single submitter. Criteria: Ambry Variant Classification Scheme 2023. Collection method: clinical testing. Allele origin: germline.
Comment: The c.694+5G>A intronic variant results from a G to A substitution 5 nucleotides after coding exon 5 in the GDAP1 gene. This nucleotide position is highly conserved in available vertebrate species. In silico splice site analysis predicts that this alteration will not have any significant effect on splicing. Since supporting evidence is limited at this time, the clinical significance of this alteration remains unclear.

Mayo Clinic Laboratories, Mayo Clinic
Classification: Uncertain significance. Last evaluated: 2020-05-06. Review status: criteria provided, single submitter. Criteria: ACMG Guidelines, 2015. Collection method: clinical testing. Allele origin: germline. Observed: 1 variant allele.

Literature cited by the submitters: PubMed 32376792 (cited by Labcorp Genetics (formerly Invitae), Labcorp); PubMed 17576681 (cited by Labcorp Genetics (formerly Invitae), Labcorp); PubMed 9536098 (cited by Labcorp Genetics (formerly Invitae), Labcorp).